The following is an entry in ClinVar:

NM_006514.4(SCN10A):c.2428G>T (p.Gly810Trp)

Gene: SCN10A (sodium voltage-gated channel alpha subunit 10; minus strand). Cytogenetic location: 3p22.2.
Variant type: single nucleotide variant.
Coding change: c.2428G>T on transcript NM_006514.4 (MANE Select); coding-DNA position 2428, G replaced by T.
Protein change: p.Gly810Trp; replaces glycine 810 with tryptophan.
Molecular consequence: missense variant.
Genome position (GRCh38, 1-based): chr3:38,728,754, C>A on the plus strand (G>T on the coding strand, the complement: SCN10A is on the minus strand). VCF-style: chr3-38728754-C-A. GRCh37 (hg19) VCF-style: chr3-38770245-C-A.
Other names: p.Gly810Trp; c.2428G>T (NM_006514.2); c.2428G>T, p.Gly810Trp (NM_001293306.2); c.2134G>T, p.Gly712Trp (NM_001293307.2); short protein forms G810W, G712W.
Identifiers: ClinVar variation 463239 (VCV000463239.59), dbSNP rs145712124, ClinGen allele CA2320548.

ClinVar aggregate classification (germline): Conflicting classifications of pathogenicity. Review status: criteria provided, conflicting classifications (1 of 4 stars). 11 submissions from 11 submitters: Uncertain significance (7); Likely benign (4). Last evaluated 2026-07-01.

Conditions:
Cardiovascular phenotype. Identifiers: MedGen CN230736.
Episodic pain syndrome, familial, 2 (FEPS2). Identifiers: Orphanet 306577, MedGen C3809893, MONDO:0014246, OMIM 615551.
Brugada syndrome. Also called: Sudden unexplained nocturnal death syndrome; Sudden Unexplained Death Syndrome; Sudden Unexplained Nocturnal Death Syndrome (SUNDS); Sudden unexpected nocturnal death syndrome. Identifiers: Orphanet 130, MedGen C1142166, MONDO:0015263.

Allele frequency attached by ClinVar (database versions not stated): 1000 Genomes Project 30x 0.00016; 1000 Genomes Project 0.00020; gnomAD 0.00029 and 0.00030; TOPMed 0.00034; ESP Exome Variant Server 0.00038.
gnomAD v4.1: 928 of 1,614,186 alleles (0.057%); highest among the groups gnomAD compares: Non-Finnish European, 0.073%; no homozygotes.

Submissions (11):

CeGaT Center for Human Genetics Tuebingen
Classification: Likely benign. Last evaluated: 2026-07-01. Review status: criteria provided, single submitter. Criteria: CeGaT Center For Human Genetics Tuebingen Variant Classification Criteria Version 2. Collection method: clinical testing. Allele origin: germline. Affected: yes. Observed: 4 variant alleles.
Comment: SCN10A: BS2

Women's Health and Genetics/Laboratory Corporation of America, LabCorp
Classification: Likely benign. Last evaluated: 2026-04-06. Review status: criteria provided, single submitter. Criteria: LabCorp Variant Classification Summary - May 2015. Collection method: clinical testing. Allele origin: germline.
Comment: Variant summary: SCN10A c.2428G>T (p.Gly810Trp) results in a non-conservative amino acid change in the encoded protein sequence. Algorithms developed to predict the effect of missense changes on protein structure and function all suggest that this variant is likely to be disruptive. The variant allele was found at a frequency of 0.00028 in 250354 control chromosomes, predominantly at a frequency of 0.00049 within the Latino subpopulation in the gnomAD database. The observed variant frequency within Latino control individuals in the gnomAD database exceeds the estimated maximal expected allele frequency for disease-causing variants in SCN10A. c.2428G>T has been observed in an individual(s) affected with Small fibre neuropathy (Themistocleous_2023). This report does not provide unequivocal conclusions about association of the variant with SCN10A-related conditions. To our knowledge, no experimental evidence demonstrating an impact on protein function has been reported. ClinVar contains an entry for this variant (Variation ID: 463239). Based on the evidence outlined above, the variant was classified as likely benign.

Labcorp Genetics (formerly Invitae), Labcorp
Classification: Uncertain significance for Brugada syndrome. Last evaluated: 2026-01-27. Review status: criteria provided, single submitter. Criteria: Invitae Variant Classification Sherloc (09022015). Collection method: clinical testing. Allele origin: germline.
Comment: This sequence change replaces glycine, which is neutral and non-polar, with tryptophan, which is neutral and slightly polar, at codon 810 of the SCN10A protein (p.Gly810Trp). This variant is present in population databases (rs145712124, gnomAD 0.05%). This missense change has been observed in individual(s) with atrial fibrillation or small fiber neuropathy and/or epilepsy (PMID: 25053638, 36895957, 37993639). ClinVar contains an entry for this variant (Variation ID: 463239). Invitae Evidence Modeling of protein sequence and biophysical properties (such as structural, functional, and spatial information, amino acid conservation, physicochemical variation, residue mobility, and thermodynamic stability) indicates that this missense variant is expected to disrupt SCN10A protein function with a positive predictive value of 80%. In summary, the available evidence is currently insufficient to determine the role of this variant in disease. Therefore, it has been classified as a Variant of Uncertain Significance.

Mayo Clinic Laboratories, Mayo Clinic
Classification: Uncertain significance. Last evaluated: 2025-01-13. Review status: criteria provided, single submitter. Criteria: ACMG Guidelines, 2015. Collection method: clinical testing. Allele origin: germline. Observed: 1 variant allele.
Comment: BS2, PP3

Blueprint Genetics
Classification: Likely benign. Last evaluated: 2024-11-07. Review status: criteria provided, single submitter. Criteria: ACMG Guidelines, 2015. Collection method: clinical testing. Allele origin: germline.

GeneDx
Classification: Uncertain significance. Last evaluated: 2024-07-07. Review status: criteria provided, single submitter. Criteria: GeneDx Variant Classification Process June 2021. Collection method: clinical testing. Allele origin: germline.
Comment: Reported in association with paroxysmal atrial fibrillation and small fiber neuropathy (PMID: 25053638, 36895957); In silico analysis supports that this missense variant has a deleterious effect on protein structure/function; This variant is associated with the following publications: (PMID: 36895957, 25053638, Gamirova2023[article])

MGZ Medical Genetics Center
Classification: Uncertain significance for Episodic pain syndrome, familial, 2. Last evaluated: 2021-11-30. Review status: criteria provided, single submitter. Criteria: ACMG Guidelines, 2015. Collection method: clinical testing. Allele origin: germline. Affected: yes. Observed: 1 variant allele.
Comment: ACMG criteria applied: PM2_SUP, PP3

Fulgent Genetics
Classification: Uncertain significance for Episodic pain syndrome, familial, 2. Last evaluated: 2021-09-08. Review status: criteria provided, single submitter. Criteria: ACMG Guidelines, 2015. Collection method: clinical testing. Allele origin: unknown.

Department of Pathology and Laboratory Medicine, Sinai Health System
Classification: Uncertain significance for Episodic pain syndrome, familial, 2. Last evaluated: 2021-07-30. Review status: criteria provided, single submitter. Criteria: ACMG Guidelines, 2015. Collection method: research. Allele origin: germline.

Ambry Genetics
Classification: Likely benign for Cardiovascular phenotype. Last evaluated: 2019-12-10. Review status: criteria provided, single submitter. Criteria: Ambry Variant Classification Scheme 2023. Collection method: clinical testing. Allele origin: germline.

Stanford Center for Inherited Cardiovascular Disease, Stanford University
Classification: Uncertain significance. Last evaluated: 2018-01-24. Review status: criteria provided, single submitter. Criteria: ACMG Guidelines, 2015. Collection method: provider interpretation. Allele origin: germline.

Literature cited by the submitters: PubMed 36895957 (cited by 3 submitters); PubMed 25053638 (cited by 3 submitters); PubMed 37993639 (cited by Labcorp Genetics (formerly Invitae), Labcorp and Mayo Clinic Laboratories, Mayo Clinic); PubMed 28407228 (cited by Mayo Clinic Laboratories, Mayo Clinic).